The following is an entry in ClinVar:

NM_005896.4(IDH1):c.458A>G (p.Glu153Gly)

Gene: IDH1 (isocitrate dehydrogenase (NADP(+)) 1; minus strand). Cytogenetic location: 2q34.
Variant type: single nucleotide variant.
Coding change: c.458A>G on transcript NM_005896.4 (MANE Select); coding-DNA position 458, A replaced by G.
Protein change: p.Glu153Gly; replaces glutamic acid 153 with glycine.
Molecular consequence: missense variant.
Genome position (GRCh38, 1-based): chr2:208,245,381, T>C on the plus strand (A>G on the coding strand, the complement: IDH1 is on the minus strand). VCF-style: chr2-208245381-T-C. GRCh37 (hg19) VCF-style: chr2-209110105-T-C.
Other names: c.458A>G, p.Glu153Gly (NM_001282386.1, NM_001282387.1); short protein forms E153G.
Identifiers: ClinVar variation 2587383 (VCV002587383.2), dbSNP rs2469025529, ClinGen allele CA350100415.
Genomic context (GRCh38, chr2:208,245,381, plus strand): 5'-TCAAAGTTATGTACCAGGTATGTCACCTTTTGGGTTCCGTCACTTGGTGTGTAGGTTATC[T>C]CTACTTTTCCAGGCCCAGGAACAACAAAATCAGTTGCTCTGTACTGTGTAGAGGGGAAAA-3'
Protein context (NP_005887.2, residues 143-163): DFVVPGPGKV[Glu153Gly]ITYTPSDGTQ

ClinVar aggregate classification (germline): Uncertain significance (1 of 4 stars; one submission).

Submission:

Ambry Genetics
Classification: Uncertain significance. Last evaluated: 2023-09-06. Review status: criteria provided, single submitter. Criteria: Ambry Variant Classification Scheme 2023. Collection method: clinical testing. Allele origin: germline.
Comment: The p.E153G variant (also known as c.458A>G), located in coding exon 3 of the IDH1 gene, results from an A to G substitution at nucleotide position 458. The glutamic acid at codon 153 is replaced by glycine, an amino acid with similar properties. This amino acid position is conserved. In addition, this alteration is predicted to be deleterious by in silico analysis. Since supporting evidence is limited at this time, the clinical significance of this alteration remains unclear.